The following is an entry in ClinVar:

NM_004525.3(LRP2):c.749del (p.Asn250fs)

Gene: LRP2 (LDL receptor related protein 2; minus strand). Cytogenetic location: 2q31.1.
Variant type: Deletion.
Coding change: c.749del on transcript NM_004525.3 (MANE Select); coding-DNA position 749, one base deleted (A; older notation c.749delA).
Protein change: p.Asn250fs; shifts the reading frame from asparagine 250.
Molecular consequence: frameshift variant.
Genome position (GRCh38, 1-based): chr2:169,292,273, T deleted on the plus strand (A on the coding strand, the reverse complement: LRP2 is on the minus strand); the first of 2 consecutive T bases (chr2:169,292,273-169,292,274); deleting either gives the same sequence. VCF-style (leftmost placement, unchanged base first): chr2-169292272-AT-A. GRCh37 (hg19) VCF-style: chr2-170148782-AT-A.
Other names: short protein forms N250fs.
Identifiers: ClinVar variation 5015788 (VCV005015788.1).
Genomic context (GRCh38, chr2:169,292,272, plus strand): 5'-GAAGAAAATGCTTTTCAGTAGGAATCTCTTCCCCTCCTTACCACATCCATCTTCATCTCC[AT>A]TATCTTTACAGTCATCTTCTCCATCACAAACCCAGTTTTGATAAATGCATCGGCCACTGG-3'

ClinVar aggregate classification (germline): Pathogenic (1 of 4 stars; one submission).

Conditions:
Donnai-Barrow syndrome. Also called: DBS/FOAR SYNDROME; FACIOOCULOACOUSTICORENAL SYNDROME. Identifiers: Orphanet 2143, MedGen C1857277, MONDO:0009104, OMIM 222448.

Submission:

Myriad Genetics, Inc.
Classification: Pathogenic for Donnai-Barrow syndrome. Last evaluated: 2026-04-11. Review status: criteria provided, single submitter. Criteria: Myriad Autosomal Dominant, Autosomal Recessive and X-Linked Classification Criteria (2023). Collection method: clinical testing. Allele origin: unknown.
Comment: NM_004525.2(LRP2):c.749delA(N250Mfs*41) is expected to be pathogenic in the context of Donnai-Barrow syndrome. This variant is predicted to lead to an abnormal or absent protein product due to the creation of a premature termination codon in LRP2, a gene where loss-of-function variants are known to be pathogenic. Please note: this variant was assessed in the context of healthy population screening.